The following is an entry in ClinVar:

NM_024675.4(PALB2):c.2407G>T (p.Asp803Tyr)

Gene: PALB2 (partner and localizer of BRCA2; minus strand). Cytogenetic location: 16p12.2.
Variant type: single nucleotide variant.
Coding change: c.2407G>T on transcript NM_024675.4 (MANE Select); coding-DNA position 2407, G replaced by T.
Protein change: p.Asp803Tyr; replaces aspartic acid 803 with tyrosine.
Molecular consequence: missense variant.
Genome position (GRCh38, 1-based): chr16:23,629,747, C>A on the plus strand (G>T on the coding strand, the complement: PALB2 is on the minus strand). VCF-style: chr16-23629747-C-A. GRCh37 (hg19) VCF-style: chr16-23641068-C-A.
Other names: short protein forms D803Y.
Identifiers: ClinVar variation 1045696 (VCV001045696.12), dbSNP rs1966856576, ClinGen allele CA395124416.

ClinVar aggregate classification (germline): Uncertain significance. Review status: criteria provided, multiple submitters, no conflicts (2 of 4 stars). 2 submissions from 2 submitters: Uncertain significance (2). Last evaluated 2024-09-22.

Conditions:
Hereditary cancer-predisposing syndrome. Also called: Hereditary Cancer Syndrome; Tumor predisposition; Hereditary neoplastic syndrome; Neoplastic Syndromes, Hereditary. Identifiers: Orphanet 140162, MedGen C0027672, MeSH D009386, MONDO:0015356.
Familial cancer of breast. Also called: Hereditary breast cancer; hereditary breast carcinoma; BREAST CANCER, FAMILIAL. Identifiers: Orphanet 227535, MedGen C0346153, MONDO:0016419, OMIM 114480. Disease mechanism: loss of function.

gnomAD v4.1: 1 of 1,614,202 alleles (0.000062%); no homozygotes.

Submissions (2):

Labcorp Genetics (formerly Invitae), Labcorp
Classification: Uncertain significance for Familial cancer of breast. Last evaluated: 2024-09-22. Review status: criteria provided, single submitter. Criteria: Invitae Variant Classification Sherloc (09022015). Collection method: clinical testing. Allele origin: germline.
Comment: This sequence change replaces aspartic acid, which is acidic and polar, with tyrosine, which is neutral and polar, at codon 803 of the PALB2 protein (p.Asp803Tyr). This variant is not present in population databases (gnomAD no frequency). This variant has not been reported in the literature in individuals affected with PALB2-related conditions. ClinVar contains an entry for this variant (Variation ID: 1045696). Invitae Evidence Modeling of protein sequence and biophysical properties (such as structural, functional, and spatial information, amino acid conservation, physicochemical variation, residue mobility, and thermodynamic stability) indicates that this missense variant is expected to disrupt PALB2 protein function with a positive predictive value of 80%. In summary, the available evidence is currently insufficient to determine the role of this variant in disease. Therefore, it has been classified as a Variant of Uncertain Significance.

Ambry Genetics
Classification: Uncertain significance for Hereditary cancer-predisposing syndrome. Last evaluated: 2021-03-02. Review status: criteria provided, single submitter. Criteria: Ambry Variant Classification Scheme 2023. Collection method: clinical testing. Allele origin: germline.
Comment: The p.D803Y variant (also known as c.2407G>T), located in coding exon 5 of the PALB2 gene, results from a G to T substitution at nucleotide position 2407. The aspartic acid at codon 803 is replaced by tyrosine, an amino acid with highly dissimilar properties. This amino acid position is not well conserved in available vertebrate species. In addition, this alteration is predicted to be tolerated by in silico analysis. Since supporting evidence is limited at this time, the clinical significance of this alteration remains unclear.